The following is an entry in ClinVar:

NM_006517.5(SLC16A2):c.461TCT[2] (p.Phe156del)

Gene: SLC16A2 (solute carrier family 16 member 2; plus strand). Cytogenetic location: Xq13.2.
Variant type: Microsatellite.
Coding change: c.461TCT[2] on transcript NM_006517.5 (MANE Select); two copies in a row of the 3-base unit TCT starting at c.461; the reference has three copies in a row; one copy, 3 bases deleted; also written c.467_469del.
Protein change: p.Phe156del; deletes phenylalanine 156.
Molecular consequence: inframe deletion.
Genome position (GRCh38, 1-based): chrX:74,521,026-74,521,028, TCT deleted; deleting any 3 consecutive bases within chrX:74,521,020-74,521,028 gives the same sequence; the position shown is the placement nearest the transcript's 3' end. VCF-style (leftmost placement, unchanged base first): chrX-74521019-ATCT-A. GRCh37 (hg19) VCF-style: chrX-73740854-ATCT-A.
Other names: c.467_469delTCT (NM_006517.4); c.467_469del (NM_006517.4); short protein forms F156del.
Identifiers: ClinVar variation 11641 (VCV000011641.48), dbSNP rs387906501, ClinGen allele CA255950.

ClinVar aggregate classification (germline): Pathogenic/Likely pathogenic. Review status: criteria provided, multiple submitters, no conflicts (2 of 4 stars). 5 submissions from 5 submitters: Pathogenic (3); Likely pathogenic (1). 1 of the submissions does not count toward it. Last evaluated 2026-02-21.

Conditions:
Allan-Herndon-Dudley syndrome (AHDS). Also called: MENTAL RETARDATION AND MUSCULAR ATROPHY; Passos-Bueno syndrome; ALLAN-HERNDON SYNDROME; T3 RESISTANCE; TRIIODOTHYRONINE RESISTANCE. Identifiers: Orphanet 59, MedGen C0795889, MONDO:0010354, OMIM 300523.

Submissions (5):

GeneDx
Classification: Pathogenic. Last evaluated: 2026-02-21. Review status: criteria provided, single submitter. Criteria: GeneDx Variant Classification Process June 2021. Collection method: clinical testing. Allele origin: germline.
Comment: In-frame deletion of 1 amino acid(s) in a non-repeat region; Published functional studies demonstrate increased dimerization as compared to wild type protein (PMID: 25527620); Not observed at significant frequency in large population cohorts (gnomAD); In silico analysis supports a deleterious effect on protein structure/function; This variant is associated with the following publications: (PMID: 19648159, 18187543, 32559475, 39699593, 17356046, 40291819, 25527620, 15889350)

CeGaT Center for Human Genetics Tuebingen
Classification: Pathogenic. Last evaluated: 2019-11-01. Review status: criteria provided, single submitter. Criteria: CeGaT Center For Human Genetics Tuebingen Variant Classification Criteria Version 2. Collection method: clinical testing. Allele origin: germline. Affected: yes. Observed: 3 variant alleles.

Genetic Services Laboratory, University of Chicago
Classification: Likely pathogenic for Allan-Herndon-Dudley syndrome. Last evaluated: 2015-01-26. Review status: criteria provided, single submitter. Criteria: ACMG Guidelines, 2015. Collection method: clinical testing. Allele origin: germline. Affected: yes.

Neuberg Centre For Genomic Medicine, NCGM
Classification: Pathogenic for Allan-Herndon-Dudley syndrome. Review status: criteria provided, single submitter. Criteria: ACMG Guidelines, 2015. Collection method: clinical testing. Allele origin: germline. Inheritance: X-linked recessive inheritance. Affected: yes.
Comment: The in-frame deletion p.F156del in SLC16A2 (NM_006517.5) has been previously reported in affected patients delF230 (Jansen J et al, Schwartz CE et al). Functional studies depict a damaging effect.The variant has been submitted to ClinVar as Pathogenic. The p.F156del variant is novel (not in any individuals) in gnomAD Exomes and is novel (not in any individuals) in 1000 Genomes. This variant results in a deletion of a phenylalanine at position 156 of the SLC16A2 gene. However, as this is an in-frame deletion, it is not expected to result in either a truncated protein product or loss of protein through nonsense-mediated mRNA decay. The p.F156del variant is not in a repeat region. The p.F156del variant results in a deletion of 3 bases that are predicted conserved by GERP++ and PhyloP. The nucleotide c.467 in SLC16A2 is predicted conserved by GERP++ and PhyloP across 100 vertebrates. For these reasons, this variant has been classified as Pathogenic.

OMIM
Classification: Pathogenic for ALLAN-HERNDON-DUDLEY SYNDROME. Last evaluated: 2008-05-01. Review status: no assertion criteria provided. Collection method: literature only. Allele origin: germline. Not counted in ClinVar's aggregate classification.

Literature cited by the submitters: PubMed 15889350 (cited by OMIM); PubMed 18187543 (cited by OMIM).